The following is an entry in ClinVar:

NM_000384.3(APOB):c.10740C>T (p.Asn3580=)

Gene: APOB (apolipoprotein B; minus strand). Cytogenetic location: 2p24.1.
Variant type: single nucleotide variant.
Coding change: c.10740C>T on transcript NM_000384.3 (MANE Select); coding-DNA position 10740, C replaced by T.
Protein change: p.Asn3580=; no amino-acid change (asparagine 3580 retained).
Molecular consequence: synonymous variant.
Genome position (GRCh38, 1-based): chr2:21,006,128, G>A on the plus strand (C>T on the coding strand, the complement: APOB is on the minus strand). VCF-style: chr2-21006128-G-A. GRCh37 (hg19) VCF-style: chr2-21229000-G-A.
Other names: p.Asn3580=.
Identifiers: ClinVar variation 495856 (VCV000495856.34), dbSNP rs150312765, ClinGen allele CA044609.

ClinVar aggregate classification (germline): Benign/Likely benign. Review status: criteria provided, multiple submitters, no conflicts (2 of 4 stars). 9 submissions from 9 submitters: Benign (2); Likely benign (5). 2 of the submissions do not count toward it. Last evaluated 2026-01-18.

Conditions:
Cardiovascular phenotype. Identifiers: MedGen CN230736.
Familial hypercholesterolemia. Also called: Familial hypercholesterolaemia; Familial hypercholesterolemias. Identifiers: MedGen C0020445, MONDO:0005439.
Familial hypobetalipoproteinemia 1. Also called: Hypobetalipoproteinemia, normotriglyceridemic; Acanthocytosis with hypobetalipoproteinemia; APOB-Related Familial Hypobetalipoproteinemia. Identifiers: MedGen C4551990, MONDO:0014252, OMIM 615558.
Hypercholesterolemia, autosomal dominant, type B (FHCL2). Also called: Familial Hypercholesterolemia Type B; APOLIPOPROTEIN B-100, FAMILIAL DEFECTIVE; APOLIPOPROTEIN B-100, FAMILIAL LIGAND-DEFECTIVE; Hyperlipoproteinemia Type IIb; Familial hypercholesterolemia 2; APOB-Related Familial Hypercholesterolemia, Autosomal Dominant. Identifiers: MedGen C1704417, MONDO:0007751, OMIM 144010.
Hypercholesterolemia, familial, 1. Also called: LDL RECEPTOR DISORDER; Hyperlipoproteinemia Type IIa; HYPER-LOW-DENSITY-LIPOPROTEINEMIA; HYPERCHOLESTEROLEMIC XANTHOMATOSIS, FAMILIAL; Fredrickson type IIa hyperlipoproteinemia; Hyperlipoproteinemia type 2. Identifiers: Orphanet 391665, MedGen C0745103, MONDO:0007750, OMIM 143890.

Allele frequency attached by ClinVar (database versions not stated): ESP Exome Variant Server 0.00008; TOPMed 0.00021.
gnomAD v4.1: 741 of 1,613,806 alleles (0.046%); highest among the groups gnomAD compares: Non-Finnish European, 0.061%; no homozygotes.

Submissions (9):

Labcorp Genetics (formerly Invitae), Labcorp
Classification: Likely benign for Familial hypobetalipoproteinemia 1; Hypercholesterolemia, autosomal dominant, type B. Last evaluated: 2026-01-18. Review status: criteria provided, single submitter. Criteria: Invitae Variant Classification Sherloc (09022015). Collection method: clinical testing. Allele origin: germline.

GENinCode PLC
Classification: Likely benign for Familial hypercholesterolemia. Last evaluated: 2024-09-16. Review status: criteria provided, single submitter. Criteria: ACMG Guidelines, 2015. Collection method: clinical testing. Allele origin: germline.
Comment: This is a synonymous (silent) variant that is not predicted by SpliceAI to impact splicing. In addition, it occurs at a nucleotide that is not conserved. Therefore this variant has been classified as Likely Benign (BP4, BP7).

Blueprint Genetics
Classification: Likely benign. Last evaluated: 2024-08-19. Review status: criteria provided, single submitter. Criteria: ACMG Guidelines, 2015. Collection method: clinical testing. Allele origin: germline.

Mayo Clinic Laboratories, Mayo Clinic
Classification: Likely benign. Last evaluated: 2022-05-12. Review status: criteria provided, single submitter. Criteria: ACMG Guidelines, 2015. Collection method: clinical testing. Allele origin: germline. Observed: 2 variant alleles.

Ambry Genetics
Classification: Benign for Cardiovascular phenotype. Last evaluated: 2021-11-10. Review status: criteria provided, single submitter. Criteria: Ambry Variant Classification Scheme 2023. Collection method: clinical testing. Allele origin: germline.

Robarts Research Institute, Western University
Classification: Likely benign for Hypercholesterolemia, familial, 1. Last evaluated: 2018-01-02. Review status: criteria provided, single submitter. Criteria: ACMG Guidelines, 2015. Collection method: clinical testing. Allele origin: germline. Inheritance: Autosomal dominant inheritance. Affected: yes.

Women's Health and Genetics/Laboratory Corporation of America, LabCorp
Classification: Benign. Last evaluated: 2017-01-04. Review status: criteria provided, single submitter. Criteria: LabCorp Variant Classification Summary - May 2015. Collection method: clinical testing. Allele origin: germline.
Comment: Variant summary: The APOB c.10740C>T (p.Asn3580Asn) variant involves the alteration of a non-conserved nucleotide, resulting in a synonymous change. One in silico tool predicts a damaging outcome for this variant. 4/5 splice prediction tools predict no significant impact on normal splicing. However, these predictions have yet to be confirmed by functional studies. This variant was found in 17/121204 control chromosomes at a frequency of 0.0001403, which is approximately 4 times the estimated maximal expected allele frequency of a pathogenic APOB variant (0.0000313), suggesting this variant is likely a benign polymorphism. The variant of interest has not, to our knowledge, been reported in affected individuals via publications and/or reputable databases/clinical diagnostic laboratories; nor evaluated for functional impact by in vivo/vitro studies. Taken together, this variant is classified as benign.

Clinical Genetics DNA and cytogenetics Diagnostics Lab, Erasmus MC, Erasmus Medical Center
Classification: Likely benign. Review status: no assertion criteria provided. Collection method: clinical testing. Allele origin: germline. Affected: yes. Study: VKGL Data-share Consensus. Not counted in ClinVar's aggregate classification.

Clinical Genetics, Academic Medical Center
Classification: Benign. Review status: no assertion criteria provided. Collection method: clinical testing. Allele origin: germline. Affected: yes. Study: VKGL Data-share Consensus. Not counted in ClinVar's aggregate classification.